The following is an entry in ClinVar:

NM_001369623.2(PI4KB):c.1554G>A (p.Pro518=)

Gene: PI4KB (phosphatidylinositol 4-kinase beta; minus strand). Cytogenetic location: 1q21.3.
Variant type: single nucleotide variant.
Coding change: c.1554G>A on transcript NM_001369623.2 (MANE Select); coding-DNA position 1554, G replaced by A.
Protein change: p.Pro518=; no amino-acid change (proline 518 retained).
Molecular consequence: synonymous variant.
Genome position (GRCh38, 1-based): chr1:151,302,265, C>T on the plus strand (G>A on the coding strand, the complement: PI4KB is on the minus strand). VCF-style: chr1-151302265-C-T. GRCh37 (hg19) VCF-style: chr1-151274741-C-T.
Other names: c.1509G>A, p.Pro503= (NM_001198773.3, NM_001198774.2, NM_001369624.1); c.558G>A, p.Pro186= (NM_001198775.3); c.1554G>A, p.Pro518= (NM_001330721.2, NM_001369626.1, NM_001369629.2); c.1545G>A, p.Pro515= (NM_001369625.1, NM_001369628.1); c.1590G>A, p.Pro530= (NM_002651.4); c.1590G>A (NM_002651.3).
Identifiers: ClinVar variation 2672349 (VCV002672349.24), dbSNP rs41270706, ClinGen allele CA1089156.

ClinVar aggregate classification (germline): Likely benign. Review status: criteria provided, multiple submitters, no conflicts (2 of 4 stars). 2 submissions from 2 submitters: Likely benign (2). Last evaluated 2026-07-01.

Conditions:
PI4KB-related disorder. Also called: PI4KB-related condition.

Allele frequency attached by ClinVar (database versions not stated): 1000 Genomes Project 30x 0.00219; 1000 Genomes Project 0.00240; ExAC 0.00334; gnomAD 0.00339; TOPMed 0.00366; ESP Exome Variant Server 0.00369; gnomAD exomes 0.00430.
gnomAD v4.1: 6,798 of 1,614,114 alleles (0.42%); highest among the groups gnomAD compares: Middle Eastern, 0.86%; 13 homozygotes.

Submissions (2):

CeGaT Center for Human Genetics Tuebingen
Classification: Likely benign. Last evaluated: 2026-07-01. Review status: criteria provided, single submitter. Criteria: CeGaT Center For Human Genetics Tuebingen Variant Classification Criteria Version 2. Collection method: clinical testing. Allele origin: germline. Affected: yes. Observed: 6 variant alleles.
Comment: PI4KB: BP4, BP7, BS2

PreventionGenetics, part of Exact Sciences
Classification: Likely benign for PI4KB-related condition. Last evaluated: 2024-10-02. Review status: criteria provided, single submitter. Criteria: ACMG Guidelines, 2015. Collection method: clinical testing. Allele origin: germline.
Comment: This variant is classified as likely benign based on ACMG/AMP sequence variant interpretation guidelines (Richards et al. 2015 PMID: 25741868, with internal and published modifications).